The following is an entry in ClinVar:

NM_001378454.1(ALMS1):c.9474dup (p.Gln3159fs)

Gene: ALMS1 (ALMS1 centrosome and basal body associated protein; plus strand). Cytogenetic location: 2p13.1.
Variant type: Duplication.
Coding change: c.9474dup on transcript NM_001378454.1 (MANE Select); coding-DNA position 9474, one base duplicated (A; older notation c.9474dupA).
Protein change: p.Gln3159fs; shifts the reading frame from glutamine 3159.
Molecular consequence: frameshift variant.
Genome position (GRCh38, 1-based): chr2:73,491,433, A duplicated. VCF-style (leftmost placement, unchanged base first): chr2-73491432-T-TA. GRCh37 (hg19) VCF-style: chr2-73718559-T-TA.
Other names: c.9477dup, p.Gln3160fs (NM_015120.4); short protein forms Q3159fs, Q3160fs.
Identifiers: ClinVar variation 2835359 (VCV002835359.3), dbSNP rs2466220962, ClinGen allele CA2739271095.

ClinVar aggregate classification (germline): Pathogenic (1 of 4 stars; one submission).

Conditions:
Alstrom syndrome (ALMS). Identifiers: Orphanet 64, MedGen C0268425, MONDO:0008763, OMIM 203800.

Submission:

Labcorp Genetics (formerly Invitae), Labcorp
Classification: Pathogenic for Alstrom syndrome. Last evaluated: 2023-02-08. Review status: criteria provided, single submitter. Criteria: Invitae Variant Classification Sherloc (09022015). Collection method: clinical testing. Allele origin: germline.
Comment: For these reasons, this variant has been classified as Pathogenic. This variant has not been reported in the literature in individuals affected with ALMS1-related conditions. This sequence change creates a premature translational stop signal (p.Gln3160Thrfs*36) in the ALMS1 gene. It is expected to result in an absent or disrupted protein product. Loss-of-function variants in ALMS1 are known to be pathogenic (PMID: 17594715). This variant is not present in population databases (gnomAD no frequency).

Literature cited by the submitters: PubMed 17594715.